The following is an entry in ClinVar:

ClinVar aggregate classification (germline): Conflicting classifications of pathogenicity. Review status: criteria provided, conflicting classifications (1 of 4 stars). 2 submissions from 2 submitters: Uncertain significance (1); Likely benign (1). Last evaluated 2024-11-13.

Conditions:
Fanconi anemia (FA). Also called: Fanconi's anemia. Identifiers: Orphanet 84, MedGen C0015625, MeSH D005199, MONDO:0019391.

Allele frequency attached by ClinVar (database versions not stated): gnomAD exomes below 0.00001; gnomAD 0.00001; TOPMed 0.00002.
gnomAD v4.1: 6 of 1,612,726 alleles (0.00037%); highest among the groups gnomAD compares: Non-Finnish European, 0.00051%; no homozygotes.

Submissions (2):

Labcorp Genetics (formerly Invitae), Labcorp
Classification: Likely benign for Fanconi anemia. Last evaluated: 2024-11-13. Review status: criteria provided, single submitter. Criteria: Invitae Variant Classification Sherloc (09022015). Collection method: clinical testing. Allele origin: germline.

Mayo Clinic Laboratories, Mayo Clinic
Classification: Uncertain significance. Last evaluated: 2022-01-18. Review status: criteria provided, single submitter. Criteria: ACMG Guidelines, 2015. Collection method: clinical testing. Allele origin: germline. Observed: 1 variant allele.
Comment: PM2

NM_000135.4(FANCA):c.1716-10T>G

Gene: FANCA (FA complementation group A; minus strand). Cytogenetic location: 16q24.3.
Variant type: single nucleotide variant.
Coding change: c.1716-10T>G on transcript NM_000135.4 (MANE Select); 10 bases into the intron before coding-DNA position 1716, T replaced by G.
Molecular consequence: intron variant.
Genome position (GRCh38, 1-based): chr16:89,779,013, A>C on the plus strand (T>G on the coding strand, the complement: FANCA is on the minus strand). VCF-style: chr16-89779013-A-C. GRCh37 (hg19) VCF-style: chr16-89845421-A-C.
Other names: c.1716-10T>G (NM_000135.2, NM_001286167.3).
Identifiers: ClinVar variation 1142902 (VCV001142902.10), dbSNP rs1270971513, ClinGen allele CA624252670.